The following is an entry in ClinVar:

NC_000019.9:g.(?_38924450)_(38935337_?)dup

Gene: RYR1 (ryanodine receptor 1; plus strand). Cytogenetic location: 19q13.2.
Variant type: Duplication.
Identifiers: ClinVar variation 544532 (VCV000544532.1).

ClinVar aggregate classification (germline): Uncertain significance (1 of 4 stars; one submission).

Conditions:
RYR1-related disorder. Also called: RYR1-related condition; RYR1-related disorders. Identifiers: MedGen CN239331.

Submission:

Labcorp Genetics (formerly Invitae), Labcorp
Classification: Uncertain significance for RYR1-related disorder. Last evaluated: 2017-11-06. Review status: criteria provided, single submitter. Criteria: Invitae Variant Classification Sherloc (09022015). Collection method: clinical testing. Allele origin: germline.
Comment: This variant is a gross duplication of the genomic region encompassing exons 1-7 of the RYR1 gene. The 5' end of this event is unknown as it extends beyond the assayed region for this gene and therefore may encompass additional genes. The 3' boundary is likely confined to intron 7 of the RYR1 gene. The exact location of this variant in the genome is unknown. Duplication of exons 1-7 has not been reported in the literature in individuals with RYR1-related disease. Experimental studies and prediction algorithms are not available for this variant, and the functional significance of the duplicatedÂ¬â€ exons is currently unknown. In summary, the available evidence is currently insufficient to determine the role of this variant in disease. Therefore, it has been classified as a Variant of Uncertain Significance.